The following is an entry in ClinVar:

NM_001040616.3(LINS1):c.1394+1G>T

Gene: LINS1 (lines homolog 1; minus strand). Cytogenetic location: 15q26.3.
Variant type: single nucleotide variant.
Coding change: c.1394+1G>T on transcript NM_001040616.3 (MANE Select); the canonical splice donor site of the intron after coding-DNA position 1394, G replaced by T.
Molecular consequence: splice donor variant.
Genome position (GRCh38, 1-based): chr15:100,571,893, C>A on the plus strand (G>T on the coding strand, the complement: LINS1 is on the minus strand). VCF-style: chr15-100571893-C-A. GRCh37 (hg19) VCF-style: chr15-101112098-C-A.
Other names: c.1241+1G>T (NM_001352508.2); c.647+1G>T (NM_001352507.2).
Identifiers: ClinVar variation 225032 (VCV000225032.5), dbSNP rs869312932, ClinGen allele CA358228.

ClinVar aggregate classification (germline): Likely pathogenic (1 of 4 stars; one submission).

Conditions:
Inborn genetic diseases. Identifiers: MedGen C0950123, MeSH D030342.

Submission:

Ambry Genetics
Classification: Likely pathogenic for Inborn genetic diseases. Last evaluated: 2020-04-16. Review status: criteria provided, single submitter. Criteria: Ambry Variant Classification Scheme 2023. Collection method: clinical testing. Allele origin: germline.
Comment: The alteration is predicted to abolish the native donor splice site: _x000D_ _x000D_ The c.1394+1G>T intronic alteration results from a G to T substitution one nucleotide after exon 6 (coding exon 5) of the LINS gene. Based on BDGP and ESEfinder splice site in silico tools, this alteration is predicted to abolish the native splice donor site; however, direct evidence is unavailable. Alterations that disrupt the canonical splice site are expected to cause aberrant splicing, resulting in an abnormal protein or a transcript that is subject to nonsense-mediated mRNA decay. The alteration is not observed in population databases:_x000D_ _x000D_ Based on data from the Genome Aggregation Database (gnomAD), the LINS c.1394+1G>T alteration was not observed, with coverage at this position. Based on the available evidence, this alteration is classified as likely pathogenic.